The following is an entry in ClinVar:

NM_025114.4(CEP290):c.4384G>T (p.Glu1462Ter)

Gene: CEP290 (centrosomal protein 290; minus strand). Cytogenetic location: 12q21.32.
Variant type: single nucleotide variant.
Coding change: c.4384G>T on transcript NM_025114.4 (MANE Select); coding-DNA position 4384, G replaced by T.
Protein change: p.Glu1462Ter; replaces glutamic acid 1462 with a stop codon.
Molecular consequence: nonsense.
Genome position (GRCh38, 1-based): chr12:88,086,092, C>A on the plus strand (G>T on the coding strand, the complement: CEP290 is on the minus strand). VCF-style: chr12-88086092-C-A. GRCh37 (hg19) VCF-style: chr12-88479869-C-A.
Other names: short protein forms E1462*.
Identifiers: ClinVar variation 2946922 (VCV002946922.3), dbSNP rs2500009261, ClinGen allele CA385996334.
Genomic context (GRCh38, chr12:88,086,092, plus strand): 5'-TAATTACCTCTTCTAGTGATTTGCAAGTTGCCCGTGTTTCTAGAATTATTCGAATGTTCT[C>A]CTTAATTTTCCTTAGAGCGATCTCAAGTTGATTTGGAAGGGGCAAACTAGGGTCAGGGAT-3'

ClinVar aggregate classification (germline): Pathogenic (1 of 4 stars; one submission).

Conditions:
Joubert syndrome. Also called: CEREBELLOPARENCHYMAL DISORDER IV; JOUBERT-BOLTSHAUSER SYNDROME; Familial aplasia of the vermis. Identifiers: Orphanet 475, MedGen C5979921, MONDO:0018772.
Nephronophthisis. Also called: Juvenile Nephronophthisis. Identifiers: Orphanet 655, MedGen C0687120, MONDO:0019005, HP:0000090.
Meckel-Gruber syndrome. Also called: DYSENCEPHALIA SPLANCHNOCYSTICA; GRUBER SYNDROME; Dysencephalia splachnocystica. Identifiers: Orphanet 564, MedGen C0265215, MONDO:0018921.

Submission:

Labcorp Genetics (formerly Invitae), Labcorp
Classification: Pathogenic for Joubert syndrome; Meckel-Gruber syndrome; Nephronophthisis. Last evaluated: 2023-04-19. Review status: criteria provided, single submitter. Criteria: Invitae Variant Classification Sherloc (09022015). Collection method: clinical testing. Allele origin: germline.
Comment: This sequence change creates a premature translational stop signal (p.Glu1462*) in the CEP290 gene. It is expected to result in an absent or disrupted protein product. Loss-of-function variants in CEP290 are known to be pathogenic (PMID: 16909394, 17345604, 20690115). This variant is not present in population databases (gnomAD no frequency). This variant has not been reported in the literature in individuals affected with CEP290-related conditions. For these reasons, this variant has been classified as Pathogenic.

Literature cited by the submitters: PubMed 16909394; PubMed 17345604; PubMed 20690115.